The following is an entry in ClinVar:

NM_004006.3(DMD):c.3921+2T>C

Gene: DMD (dystrophin; minus strand). Cytogenetic location: Xp21.1.
Variant type: single nucleotide variant.
Coding change: c.3921+2T>C on transcript NM_004006.3 (MANE Select); the canonical splice donor site of the intron after coding-DNA position 3921, T replaced by C.
Molecular consequence: splice donor variant.
Genome position (GRCh38, 1-based): chrX:32,441,178, A>G on the plus strand (T>C on the coding strand, the complement: DMD is on the minus strand). VCF-style: chrX-32441178-A-G. GRCh37 (hg19) VCF-style: chrX-32459295-A-G.
Other names: c.3897+2T>C (NM_000109.4); c.3909+2T>C (NM_004009.3); c.3552+2T>C (NM_004010.3).
Identifiers: ClinVar variation 2032805 (VCV002032805.4), dbSNP rs2524123917, ClinGen allele CA412670085.

ClinVar aggregate classification (germline): Likely pathogenic (1 of 4 stars; one submission).

Conditions:
Duchenne muscular dystrophy (DMD). Also called: MUSCULAR DYSTROPHY, PSEUDOHYPERTROPHIC PROGRESSIVE, DUCHENNE TYPE; Duchenne Muscular Dystrophy (DMD). Identifiers: Orphanet 98896, MedGen C0013264, MONDO:0010679, OMIM 310200.

Submission:

Labcorp Genetics (formerly Invitae), Labcorp
Classification: Likely pathogenic for Duchenne muscular dystrophy. Last evaluated: 2023-02-28. Review status: criteria provided, single submitter. Criteria: Invitae Variant Classification Sherloc (09022015). Collection method: clinical testing. Allele origin: germline.
Comment: Algorithms developed to predict the effect of sequence changes on RNA splicing suggest that this variant may disrupt the consensus splice site. In summary, the currently available evidence indicates that the variant is pathogenic, but additional data are needed to prove that conclusively. Therefore, this variant has been classified as Likely Pathogenic. ClinVar contains an entry for this variant (Variation ID: 2032805). This variant has not been reported in the literature in individuals affected with DMD-related conditions. This variant is not present in population databases (gnomAD no frequency). This sequence change affects a donor splice site in intron 28 of the DMD gene. It is expected to disrupt RNA splicing. Variants that disrupt the donor or acceptor splice site typically lead to a loss of protein function (PMID: 16199547), and loss-of-function variants in DMD are known to be pathogenic (PMID: 16770791, 25007885).

Literature cited by the submitters: PubMed 16199547; PubMed 16770791; PubMed 25007885.